The following is an entry in ClinVar:

ClinVar aggregate classification (germline): Uncertain significance (1 of 4 stars; one submission).

Conditions:
Cardiovascular phenotype. Identifiers: MedGen CN230736.

Submission:

Ambry Genetics
Classification: Uncertain significance for Cardiovascular phenotype. Last evaluated: 2025-10-29. Review status: criteria provided, single submitter. Criteria: Ambry Variant Classification Scheme 2023. Collection method: clinical testing. Allele origin: germline.
Comment: The p.R18G variant (also known as c.52C>G), located in coding exon 1 of the CYP27A1 gene, results from a C to G substitution at nucleotide position 52. The arginine at codon 18 is replaced by glycine, an amino acid with dissimilar properties. This amino acid position is conserved. In addition, this alteration is predicted to be tolerated by in silico analysis. Based on the available evidence, the clinical significance of this variant remains unclear.

NM_000784.4(CYP27A1):c.52C>G (p.Arg18Gly)

Gene: CYP27A1 (cytochrome P450 family 27 subfamily A member 1; plus strand). Cytogenetic location: 2q35.
Variant type: single nucleotide variant.
Coding change: c.52C>G on transcript NM_000784.4 (MANE Select); coding-DNA position 52, C replaced by G.
Protein change: p.Arg18Gly; replaces arginine 18 with glycine.
Molecular consequence: missense variant.
Genome position (GRCh38, 1-based): chr2:218,782,234, C>G. VCF-style: chr2-218782234-C-G. GRCh37 (hg19) VCF-style: chr2-219646957-C-G.
Other names: short protein forms R18G.
Identifiers: ClinVar variation 4613948 (VCV004613948.1).
Genomic context (GRCh38, chr2:218,782,234, plus strand): 5'-GCACAACCCATGGCTGCGCTGGGCTGCGCGAGGCTGAGGTGGGCGCTGCGAGGGGCCGGC[C>G]GTGGCCTCTGCCCCCACGGGGCCAGAGCCAAGGCCGCGATCCCTGCCGCCCTCCCCTCGG-3'
Protein context (NP_000775.1, residues 8-28): RLRWALRGAG[Arg18Gly]GLCPHGARAK